The following is an entry in ClinVar:

ClinVar aggregate classification (germline): Uncertain significance. Review status: criteria provided, multiple submitters, no conflicts (2 of 4 stars). 4 submissions from 4 submitters: Uncertain significance (2). 2 of the submissions do not count toward it. Last evaluated 2023-05-31.

Conditions:
Inborn genetic diseases. Identifiers: MedGen C0950123, MeSH D030342.

Allele frequency attached by ClinVar (database versions not stated): gnomAD 0.00001; gnomAD exomes 0.00001; TOPMed 0.00002.
gnomAD v4.1: 11 of 1,613,974 alleles (0.00068%); highest among the groups gnomAD compares: Non-Finnish European, 0.00093%; no homozygotes.

Submissions (4):

Ambry Genetics
Classification: Uncertain significance for Inborn genetic diseases. Last evaluated: 2023-05-31. Review status: criteria provided, single submitter. Criteria: Ambry Variant Classification Scheme 2023. Collection method: clinical testing. Allele origin: germline.

Labcorp Genetics (formerly Invitae), Labcorp
Classification: Uncertain significance. Last evaluated: 2021-05-20. Review status: criteria provided, single submitter. Criteria: Invitae Variant Classification Sherloc (09022015). Collection method: clinical testing. Allele origin: germline.
Comment: This sequence change replaces arginine with threonine at codon 4034 of the FAT4 protein (p.Arg4034Thr). The arginine residue is highly conserved and there is a moderate physicochemical difference between arginine and threonine. This variant is not present in population databases (ExAC no frequency). This variant has not been reported in the literature in individuals with FAT4-related conditions. Advanced modeling of protein sequence and biophysical properties (such as structural, functional, and spatial information, amino acid conservation, physicochemical variation, residue mobility, and thermodynamic stability) performed at Invitae indicates that this missense variant is not expected to disrupt FAT4 protein function. In summary, the available evidence is currently insufficient to determine the role of this variant in disease. Therefore, it has been classified as a Variant of Uncertain Significance.

Clinical Genetics DNA and cytogenetics Diagnostics Lab, Erasmus MC, Erasmus Medical Center
Classification: Uncertain significance. Review status: no assertion criteria provided. Collection method: clinical testing. Allele origin: germline. Affected: yes. Study: VKGL Data-share Consensus. Not counted in ClinVar's aggregate classification.

Joint Genome Diagnostic Labs from Nijmegen and Maastricht, Radboudumc and MUMC+
Classification: Uncertain significance. Review status: no assertion criteria provided. Collection method: clinical testing. Allele origin: germline. Affected: yes. Study: VKGL Data-share Consensus. Not counted in ClinVar's aggregate classification.

NM_001291303.3(FAT4):c.12107G>C (p.Arg4036Thr)

Gene: FAT4 (FAT atypical cadherin 4; plus strand). Cytogenetic location: 4q28.1.
Variant type: single nucleotide variant.
Coding change: c.12107G>C on transcript NM_001291303.3 (MANE Select); coding-DNA position 12107, G replaced by C.
Protein change: p.Arg4036Thr; replaces arginine 4036 with threonine.
Molecular consequence: missense variant.
Genome position (GRCh38, 1-based): chr4:125,468,713, G>C. VCF-style: chr4-125468713-G-C. GRCh37 (hg19) VCF-style: chr4-126389868-G-C.
Other names: c.12107G>C, p.Arg4036Thr (NM_001291285.3); c.12101G>C, p.Arg4034Thr (NM_024582.6); c.12101G>C (NM_024582.4); short protein forms R4034T, R4036T.
Identifiers: ClinVar variation 1297499 (VCV001297499.11), dbSNP rs897405265, ClinGen allele CA104860416.